The following is an entry in ClinVar:

NM_001001548.3(CD36):c.107del (p.Lys36fs)

Gene: CD36 (CD36 molecule (CD36 blood group); plus strand). Cytogenetic location: 7q21.11.
Variant type: Deletion.
Coding change: c.107del on transcript NM_001001548.3 (MANE Select); coding-DNA position 107, one base deleted (A; older notation c.107delA).
Protein change: p.Lys36fs; shifts the reading frame from lysine 36.
Molecular consequence: frameshift variant. On other transcripts: 5 prime UTR variant (1), non-coding transcript variant (1), intron variant (2).
Genome position (GRCh38, 1-based): chr7:80,646,847, A deleted; the last of 2 consecutive A bases (chr7:80,646,846-80,646,847); deleting either gives the same sequence. VCF-style (leftmost placement, unchanged base first): chr7-80646845-GA-G. GRCh37 (hg19) VCF-style: chr7-80276161-GA-G.
Other names: c.107del (NM_001127443.1); c.107del, p.Lys36fs (NM_000072.3, NM_001001547.3, NM_001127443.2 and 8 more transcripts); c.-376del (NM_001371081.1); c.-108-9693del (NM_001289911.2); c.-184-14216del (NM_001371080.1); c.107delA (NM_001001547.2); short protein forms K36fs.
Identifiers: ClinVar variation 3068127 (VCV003068127.2), dbSNP rs754478799, ClinGen allele CA4314993.

ClinVar aggregate classification (germline): Likely pathogenic. Review status: criteria provided, multiple submitters, no conflicts (2 of 4 stars). 2 submissions from 2 submitters: Likely pathogenic (2). Last evaluated 2024-11-15.

Conditions:
Platelet-type bleeding disorder 10. Also called: CD36 DEFICIENCY. Identifiers: MedGen C1842090, MONDO:0012031, OMIM 608404.
CD36-related disorder. Also called: CD36-related condition; CD36-related disorders.

Submissions (2):

PreventionGenetics, part of Exact Sciences
Classification: Likely pathogenic for CD36-related condition. Last evaluated: 2024-11-15. Review status: criteria provided, single submitter. Criteria: ACMG Guidelines, 2015. Collection method: clinical testing. Allele origin: germline.
Comment: The CD36 c.107delA variant is predicted to result in a frameshift and premature protein termination (p.Lys36Argfs*41). This variant has been reported in a cohort study with myocardial infarction (Pan-Lizcano et al. 2022. PubMed ID: 36555767). This variant is reported in 0.0070% of alleles in individuals of European (Non-Finnish) descent in gnomAD. Frameshift variants in CD36 are expected to be pathogenic. This variant is interpreted as likely pathogenic.

Genomic Medicine Center of Excellence, King Faisal Specialist Hospital and Research Centre
Classification: Likely pathogenic for Platelet-type bleeding disorder 10. Last evaluated: 2024-04-04. Review status: criteria provided, single submitter. Criteria: ACMG Guidelines, 2015. Collection method: clinical testing. Allele origin: germline.